The following is an entry in ClinVar:

ClinVar aggregate classification (germline): Pathogenic (1 of 4 stars; one submission).

Conditions:
Hereditary cancer-predisposing syndrome. Also called: Neoplastic Syndromes, Hereditary; Tumor predisposition; Hereditary Cancer Syndrome; Hereditary neoplastic syndrome. Identifiers: Orphanet 140162, MedGen C0027672, MeSH D009386, MONDO:0015356.

Submission:

Ambry Genetics
Classification: Pathogenic for Hereditary cancer-predisposing syndrome. Last evaluated: 2025-08-29. Review status: criteria provided, single submitter. Criteria: Ambry Variant Classification Scheme 2023. Collection method: clinical testing. Allele origin: germline.
Comment: The c.1842delA pathogenic mutation, located in coding exon 11 of the PMS2 gene, results from a deletion of one nucleotide at nucleotide position 1842, causing a translational frameshift with a predicted alternate stop codon (p.V615Lfs*8). This variant is considered to be rare based on population cohorts in the Genome Aggregation Database (gnomAD). This alteration is expected to result in loss of function by premature protein truncation or nonsense-mediated mRNA decay. As such, this alteration is interpreted as a disease-causing mutation.

NM_000535.7(PMS2):c.1842del (p.Val615fs)

Gene: PMS2 (PMS1 homolog 2, mismatch repair system component; minus strand). Cytogenetic location: 7p22.1.
Variant type: Deletion.
Coding change: c.1842del on transcript NM_000535.7 (MANE Select); coding-DNA position 1842, one base deleted (A; older notation c.1842delA).
Protein change: p.Val615fs; shifts the reading frame from valine 615.
Molecular consequence: frameshift variant. On other transcripts: non-coding transcript variant (1).
Genome position (GRCh38, 1-based): chr7:5,986,923, T deleted on the plus strand (A on the coding strand, the reverse complement: PMS2 is on the minus strand); the first of 3 consecutive T bases (chr7:5,986,923-5,986,925); deleting any one gives the same sequence. VCF-style (leftmost placement, unchanged base first): chr7-5986922-CT-C. GRCh37 (hg19) VCF-style: chr7-6026553-CT-C.
Other names: c.1435delA, p.Val480Leufs (NM_001406893.1, NM_001406894.1, NM_001406895.1 and 13 more transcripts); c.1842delA (NM_000535.5); c.1522delA, p.Val509Leufs (NM_001406876.1, NM_001406883.1, NM_001406903.1); c.1531delA, p.Val512Leufs (NM_001406877.1, NM_001406878.1, NM_001406879.1 and 4 more transcripts); c.1516delA, p.Val507Leufs (NM_001406884.1); c.1504delA, p.Val503Leufs (NM_001406885.1); c.1474delA, p.Val493Leufs (NM_001406886.1); c.1375delA, p.Val460Leufs (NM_001406900.1); and 20 more; short protein forms V615fs, V424fs, V563fs, V512fs, V304fs, V428fs, V480fs, V509fs.
Identifiers: ClinVar variation 1781182 (VCV001781182.3), dbSNP rs1782962828, ClinGen allele CA2580076878.